The following is an entry in ClinVar:

ClinVar aggregate classification (germline): Uncertain significance. Review status: criteria provided, multiple submitters, no conflicts (2 of 4 stars). 4 submissions from 4 submitters: Uncertain significance (4). Last evaluated 2025-10-04.

Conditions:
Arrhythmogenic cardiomyopathy with wooly hair and keratoderma. Also called: PALMOPLANTAR KERATODERMA WITH LEFT VENTRICULAR CARDIOMYOPATHY AND WOOLLY HAIR; Carvajal syndrome; Dilated cardiomyopathy with woolly hair and keratoderma; Arrhythmogenic cardiomyopathy with woolly hair and keratoderma. Identifiers: Orphanet 65282, MedGen C1854063, MONDO:0011581, OMIM 605676.
Arrhythmogenic right ventricular dysplasia 8 (ARVD8). Also called: ARRHYTHMOGENIC RIGHT VENTRICULAR DYSPLASIA, FAMILIAL, 8; Arrhythmogenic Right Ventricular Dysplasia/Cardiomyopathy 8; ARRHYTHMOGENIC RIGHT VENTRICULAR CARDIOMYOPATHY 8. Identifiers: MedGen C1843896, MONDO:0011831, OMIM 607450.
Cardiomyopathy (CMYO). Also called: Cardiomyopathies. Identifiers: Orphanet 167848, MedGen C0878544, MONDO:0004994, HP:0001638. Inheritance: Various modes of inheritance.

Allele frequency attached by ClinVar (database versions not stated): gnomAD exomes below 0.00001; TOPMed below 0.00001; gnomAD 0.00001.
gnomAD v4.1: 10 of 1,613,912 alleles (0.00062%); highest among the groups gnomAD compares: African/African-American, 0.0053%; no homozygotes.

Submissions (4):

Labcorp Genetics (formerly Invitae), Labcorp
Classification: Uncertain significance for Arrhythmogenic cardiomyopathy with wooly hair and keratoderma; Arrhythmogenic right ventricular dysplasia 8. Last evaluated: 2025-10-04. Review status: criteria provided, single submitter. Criteria: Invitae Variant Classification Sherloc (09022015). Collection method: clinical testing. Allele origin: germline.
Comment: This sequence change replaces arginine, which is basic and polar, with cysteine, which is neutral and slightly polar, at codon 1945 of the DSP protein (p.Arg1945Cys). This variant is present in population databases (no rsID available, gnomAD 0.007%). This missense change has been observed in individual(s) with hypertrophic cardiomyopathy (PMID: 34500006). ClinVar contains an entry for this variant (Variation ID: 928561). An algorithm developed to predict the effect of missense changes on protein structure and function (PolyPhen-2) suggests that this variant is likely to be disruptive. In summary, the available evidence is currently insufficient to determine the role of this variant in disease. Therefore, it has been classified as a Variant of Uncertain Significance.

Color Diagnostics, LLC DBA Color Health
Classification: Uncertain significance for Cardiomyopathy. Last evaluated: 2024-03-07. Review status: criteria provided, single submitter. Criteria: ACMG Guidelines, 2015. Collection method: clinical testing. Allele origin: germline.
Comment: This missense variant replaces arginine with cysteine at codon 1945 of the DSP protein. Computational prediction suggests that this variant may not impact protein structure and function (internally defined REVEL score threshold <= 0.5, PMID: 27666373). To our knowledge, functional studies have not been reported for this variant. This variant has not been reported in individuals affected with cardiovascular disorders in the literature. This variant has been identified in 1/31366 chromosomes in the general population by the Genome Aggregation Database (gnomAD). The available evidence is insufficient to determine the role of this variant in disease conclusively. Therefore, this variant is classified as a Variant of Uncertain Significance.

All of Us Research Program, National Institutes of Health
Classification: Uncertain significance for Arrhythmogenic cardiomyopathy with wooly hair and keratoderma. Last evaluated: 2023-12-01. Review status: criteria provided, single submitter. Criteria: ACMG Guidelines, 2015. Collection method: clinical testing. Allele origin: germline. Inheritance: Autosomal dominant inheritance. Observed: 1 variant allele, 1 heterozygote.
Comment: This study involves interpretation of variants in research participants for the purpose of population health screening. Participant phenotype was not available at the time of variant classification. Additional details can be found in publication PMID: 35346344, PMCID: PMC8962531

Women's Health and Genetics/Laboratory Corporation of America, LabCorp
Classification: Uncertain significance. Last evaluated: 2019-07-08. Review status: criteria provided, single submitter. Criteria: LabCorp Variant Classification Summary - May 2015. Collection method: clinical testing. Allele origin: germline.
Comment: Variant summary: DSP c.5833C>T (p.Arg1945Cys) results in a non-conservative amino acid change in the encoded protein sequence. Four of five in-silico tools predict a damaging effect of the variant on protein function. The variant was absent in 250544 control chromosomes. The available data on variant occurrences in the general population are insufficient to allow any conclusion about variant significance. To our knowledge, no occurrence of c.5833C>T in individuals affected with Cardiomyopathy and no experimental evidence demonstrating its impact on protein function have been reported. No clinical diagnostic laboratories have submitted clinical-significance assessments for this variant to ClinVar after 2014. Based on the evidence outlined above, the variant was classified as uncertain significance.

Literature cited by the submitters: PubMed 34500006 (cited by Labcorp Genetics (formerly Invitae), Labcorp).

NM_004415.4(DSP):c.5833C>T (p.Arg1945Cys)

Gene: DSP (desmoplakin; plus strand). Cytogenetic location: 6p24.3.
Variant type: single nucleotide variant.
Coding change: c.5833C>T on transcript NM_004415.4 (MANE Select); coding-DNA position 5833, C replaced by T.
Protein change: p.Arg1945Cys; replaces arginine 1945 with cysteine.
Molecular consequence: missense variant.
Genome position (GRCh38, 1-based): chr6:7,583,095, C>T. VCF-style: chr6-7583095-C-T. GRCh37 (hg19) VCF-style: chr6-7583328-C-T.
Other names: c.4036C>T, p.Arg1346Cys (NM_001008844.3); c.4504C>T, p.Arg1502Cys (NM_001319034.2); short protein forms R1346C, R1502C, R1945C.
Identifiers: ClinVar variation 928561 (VCV000928561.6), dbSNP rs1456378645, ClinGen allele CA362689512.